The following is an entry in ClinVar:

NM_014423.4(AFF4):c.2230G>A (p.Val744Met)

Gene: AFF4 (ALF transcription elongation factor 4; minus strand). Cytogenetic location: 5q31.1.
Variant type: single nucleotide variant.
Coding change: c.2230G>A on transcript NM_014423.4 (MANE Select); coding-DNA position 2230, G replaced by A.
Protein change: p.Val744Met; replaces valine 744 with methionine.
Molecular consequence: missense variant.
Genome position (GRCh38, 1-based): chr5:132,896,400, C>T on the plus strand (G>A on the coding strand, the complement: AFF4 is on the minus strand). VCF-style: chr5-132896400-C-T. GRCh37 (hg19) VCF-style: chr5-132232092-C-T.
Other names: short protein forms V744M.
Identifiers: ClinVar variation 5002088 (VCV005002088.1).

ClinVar aggregate classification (germline): Uncertain significance (1 of 4 stars; one submission).

Conditions:
AFF4-related disorder. Also called: AFF4-related condition.

Submission:

PreventionGenetics, part of Exact Sciences
Classification: Uncertain significance for AFF4-related condition. Last evaluated: 2025-04-29. Review status: criteria provided, single submitter. Criteria: ACMG Guidelines, 2015. Collection method: clinical testing. Allele origin: germline.
Comment: The AFF4 c.2230G>A variant is predicted to result in the amino acid substitution p.Val744Met. To our knowledge, this variant has not been reported in the literature or in a large population database (gnomAD), indicating this variant is rare. At this time, the clinical significance of this variant is uncertain due to the absence of conclusive functional and genetic evidence.